The following is an entry in ClinVar:

NM_025137.4(SPG11):c.7000-1G>A

Gene: SPG11 (SPG11 vesicle trafficking associated, spatacsin; minus strand). Cytogenetic location: 15q21.1.
Variant type: single nucleotide variant.
Coding change: c.7000-1G>A on transcript NM_025137.4 (MANE Select); the canonical splice acceptor site of the intron before coding-DNA position 7000, G replaced by A.
Molecular consequence: splice acceptor variant.
Genome position (GRCh38, 1-based): chr15:44,564,699, C>T on the plus strand (G>A on the coding strand, the complement: SPG11 is on the minus strand). VCF-style: chr15-44564699-C-T. GRCh37 (hg19) VCF-style: chr15-44856897-C-T.
Other names: c.6856-1G>A (NM_001411132.1); c.6661-1G>A (NM_001160227.2).
Identifiers: ClinVar variation 3663954 (VCV003663954.2).

ClinVar aggregate classification (germline): Likely pathogenic (1 of 4 stars; one submission).

Conditions:
Hereditary spastic paraplegia 11. Also called: Nakamura Osame syndrome; Autosomal recessive hereditary spastic paraplegia, mental impairment, and thin corpus callosum; SPASTIC PARAPLEGIA, AUTOSOMAL RECESSIVE, COMPLICATED, WITH THIN CORPUS CALLOSUM; SPASTIC PARAPLEGIA, AUTOSOMAL RECESSIVE, WITH MENTAL IMPAIRMENT AND THIN CORPUS CALLOSUM; Spastic Paraplegia 11; Spastic paraplegia, mental retardation and thin corpus callosum. Identifiers: Orphanet 2822, MedGen C1858479, MONDO:0011445, OMIM 604360.

Submission:

Labcorp Genetics (formerly Invitae), Labcorp
Classification: Likely pathogenic for Hereditary spastic paraplegia 11. Last evaluated: 2024-08-29. Review status: criteria provided, single submitter. Criteria: Invitae Variant Classification Sherloc (09022015). Collection method: clinical testing. Allele origin: germline.
Comment: This sequence change affects an acceptor splice site in intron 38 of the SPG11 gene. It is expected to disrupt RNA splicing. Variants that disrupt the donor or acceptor splice site typically lead to a loss of protein function (PMID: 16199547), and loss-of-function variants in SPG11 are known to be pathogenic (PMID: 19105190, 20110243, 22154821, 26556829). This variant is not present in population databases (gnomAD no frequency). This variant has not been reported in the literature in individuals affected with SPG11-related conditions. Algorithms developed to predict the effect of sequence changes on RNA splicing suggest that this variant may disrupt the consensus splice site. In summary, the currently available evidence indicates that the variant is pathogenic, but additional data are needed to prove that conclusively. Therefore, this variant has been classified as Likely Pathogenic.

Literature cited by the submitters: PubMed 16199547; PubMed 19105190; PubMed 20110243; PubMed 22154821; PubMed 26556829.